The following is an entry in ClinVar:

ClinVar aggregate classification (germline): Uncertain significance (1 of 4 stars; one submission).

Submission:

Ambry Genetics
Classification: Uncertain significance. Last evaluated: 2024-06-15. Review status: criteria provided, single submitter. Criteria: Ambry Variant Classification Scheme 2023. Collection method: clinical testing. Allele origin: germline.
Comment: The p.K40I variant (also known as c.119A>T), located in coding exon 2 of the RECQL gene, results from an A to T substitution at nucleotide position 119. The lysine at codon 40 is replaced by isoleucine, an amino acid with dissimilar properties. This amino acid position is conserved. In addition, this alteration is predicted to be tolerated by in silico analysis. Based on the available evidence, the clinical significance of this variant remains unclear.

NM_002907.4(RECQL):c.119A>T (p.Lys40Ile)

Gene: RECQL (RecQ like helicase; minus strand). Cytogenetic location: 12p12.1.
Variant type: single nucleotide variant.
Coding change: c.119A>T on transcript NM_002907.4 (MANE Select); coding-DNA position 119, A replaced by T.
Protein change: p.Lys40Ile; replaces lysine 40 with isoleucine.
Molecular consequence: missense variant.
Genome position (GRCh38, 1-based): chr12:21,491,614, T>A on the plus strand (A>T on the coding strand, the complement: RECQL is on the minus strand). VCF-style: chr12-21491614-T-A. GRCh37 (hg19) VCF-style: chr12-21644548-T-A.
Other names: c.119A>T, p.Lys40Ile (NM_032941.3); short protein forms K40I.
Identifiers: ClinVar variation 3313531 (VCV003313531.1).
Genomic context (GRCh38, chr12:21,491,614, plus strand): 5'-TCATTGCTTGCCCCGGCATCAGAATCCTCTAAACACTGCTTTATTTTCTTTGTCAGGACT[T>A]TTTTTTTCTGAATAAGCTCTTGTTGCCTTTCCGTAAGTTCTTGAATTTGAATTTCTACTG-3'
Protein context (NP_002898.2, residues 30-50): ERQQELIQKK[Lys40Ile]VLTKKIKQCL